The following is an entry in ClinVar:

NM_001042681.2(RERE):c.3800C>T (p.Pro1267Leu)

Gene: RERE (arginine-glutamic acid dipeptide repeats; minus strand). Cytogenetic location: 1p36.23.
Variant type: single nucleotide variant.
Coding change: c.3800C>T on transcript NM_001042681.2 (MANE Select); coding-DNA position 3800, C replaced by T.
Protein change: p.Pro1267Leu; replaces proline 1267 with leucine.
Molecular consequence: missense variant.
Genome position (GRCh38, 1-based): chr1:8,358,735, G>A on the plus strand (C>T on the coding strand, the complement: RERE is on the minus strand). VCF-style: chr1-8358735-G-A. GRCh37 (hg19) VCF-style: chr1-8418795-G-A.
Other names: c.2138C>T, p.Pro713Leu (NM_001042682.2); c.3800C>T, p.Pro1267Leu (NM_012102.4); short protein forms P1267L, P713L.
Identifiers: ClinVar variation 3033372 (VCV003033372.2), dbSNP rs2522697243, ClinGen allele CA338169821.

ClinVar aggregate classification (germline): Uncertain significance (0 of 4 stars; one submission).

Conditions:
RERE-related disorder. Also called: RERE-Related Disorders; RERE-related condition. Identifiers: MedGen CN381537.

Allele frequency attached by ClinVar (database versions not stated): gnomAD exomes below 0.00001.
gnomAD v4.1: 1 of 1,608,250 alleles (0.000062%); highest among the groups gnomAD compares: Non-Finnish European, 0.000085%; no homozygotes.

Submission:

PreventionGenetics, part of Exact Sciences
Classification: Uncertain significance for RERE-related condition. Last evaluated: 2023-10-30. Review status: no assertion criteria provided. Collection method: clinical testing. Allele origin: germline.
Comment: The RERE c.3800C>T variant is predicted to result in the amino acid substitution p.Pro1267Leu. To our knowledge, this variant has not been reported in the literature or in a large population database, indicating this variant is rare. At this time, the clinical significance of this variant is uncertain due to the absence of conclusive functional and genetic evidence.